The following is an entry in ClinVar:

ClinVar aggregate classification (germline): Benign. Review status: criteria provided, multiple submitters, no conflicts (2 of 4 stars). 2 submissions from 2 submitters: Benign (2). Last evaluated 2026-02-04.

Allele frequency attached by ClinVar (database versions not stated): gnomAD exomes 0.01896 and 0.01965; 1000 Genomes Project 0.02057; 1000 Genomes Project 30x 0.02108; gnomAD 0.02652 and 0.02787; ESP Exome Variant Server 0.02794; TOPMed 0.02944; ExAC 0.03051.
gnomAD v4.1: 32,008 of 1,565,576 alleles (2%); highest among the groups gnomAD compares: African/African-American, 4.5%; 392 homozygotes.

Submissions (2):

Labcorp Genetics (formerly Invitae), Labcorp
Classification: Benign. Last evaluated: 2026-02-04. Review status: criteria provided, single submitter. Criteria: Invitae Variant Classification Sherloc (09022015). Collection method: clinical testing. Allele origin: germline.

Mayo Clinic Laboratories, Mayo Clinic
Classification: Benign. Last evaluated: 2024-01-08. Review status: criteria provided, single submitter. Criteria: ACMG Guidelines, 2015. Collection method: clinical testing. Allele origin: germline. Observed: 16 variant alleles.
Comment: BS1, BS2

NM_022047.4(DEF6):c.1542G>A (p.Glu514=)

Gene: DEF6 (DEF6 guanine nucleotide exchange factor; plus strand). Cytogenetic location: 6p21.31.
Variant type: single nucleotide variant.
Coding change: c.1542G>A on transcript NM_022047.4 (MANE Select); coding-DNA position 1542, G replaced by A.
Protein change: p.Glu514=; no amino-acid change (glutamic acid 514 retained).
Molecular consequence: synonymous variant.
Genome position (GRCh38, 1-based): chr6:35,319,978, G>A. VCF-style: chr6-35319978-G-A. GRCh37 (hg19) VCF-style: chr6-35287755-G-A.
Other names: p.Glu514=.
Identifiers: ClinVar variation 1170886 (VCV001170886.10), dbSNP rs61734578, ClinGen allele CA3770941.